The following is an entry in ClinVar:

ClinVar aggregate classification (germline): Conflicting classifications of pathogenicity. Review status: criteria provided, conflicting classifications (1 of 4 stars). 2 submissions from 2 submitters: Uncertain significance (1); Likely benign (1). Last evaluated 2024-02-04.

Allele frequency attached by ClinVar (database versions not stated): TOPMed below 0.00001; gnomAD 0.00001; ExAC 0.00003.
gnomAD v4.1: 4 of 1,580,628 alleles (0.00025%); highest among the groups gnomAD compares: East Asian, 0.0023%; no homozygotes.

Submissions (2):

Labcorp Genetics (formerly Invitae), Labcorp
Classification: Likely benign. Last evaluated: 2024-02-04. Review status: criteria provided, single submitter. Criteria: Invitae Variant Classification Sherloc (09022015). Collection method: clinical testing. Allele origin: germline.

Laboratory for Molecular Medicine, Mass General Brigham Personalized Medicine
Classification: Uncertain significance. Last evaluated: 2016-01-03. Review status: criteria provided, single submitter. Criteria: LMM Criteria. Collection method: clinical testing. Allele origin: germline. Observed: 1 variant allele.
Comment: The p.Arg1596Trp variant in COL11A2 has not been previously reported in individu als with hearing loss, but was identified in 1/8338 South Asian chromosomes by t he Exome Aggregation Consortium (ExAC; dbSNP rs7 78962979). Computational prediction tools and conservation analyses suggest tha t the p.Arg1596Trp variant may impact the protein, though this information is no t predictive enough to determine pathogenicity. In summary, the clinical signifi cance of the p.Arg1596Trp variant is uncertain.

NM_080680.3(COL11A2):c.4786C>T (p.Arg1596Trp)

Gene: COL11A2 (collagen type XI alpha 2 chain; minus strand). Cytogenetic location: 6p21.32.
Variant type: single nucleotide variant.
Coding change: c.4786C>T on transcript NM_080680.3 (MANE Select); coding-DNA position 4786, C replaced by T.
Protein change: p.Arg1596Trp; replaces arginine 1596 with tryptophan.
Molecular consequence: missense variant.
Genome position (GRCh38, 1-based): chr6:33,164,929, G>A on the plus strand (C>T on the coding strand, the complement: COL11A2 is on the minus strand). VCF-style: chr6-33164929-G-A. GRCh37 (hg19) VCF-style: chr6-33132706-G-A.
Other names: c.4465C>T, p.Arg1489Trp (NM_080679.3); c.4528C>T, p.Arg1510Trp (NM_080681.3); short protein forms R1596W, R1489W, R1510W.
Identifiers: ClinVar variation 228537 (VCV000228537.7), dbSNP rs778962979, ClinGen allele CA3749995.